The following is an entry in ClinVar:

NM_182914.3(SYNE2):c.2362G>A (p.Glu788Lys)

Gene: SYNE2 (spectrin repeat containing nuclear envelope protein 2; plus strand). Cytogenetic location: 14q23.2.
Variant type: single nucleotide variant.
Coding change: c.2362G>A on transcript NM_182914.3 (MANE Select); coding-DNA position 2362, G replaced by A.
Protein change: p.Glu788Lys; replaces glutamic acid 788 with lysine.
Molecular consequence: missense variant.
Genome position (GRCh38, 1-based): chr14:63,990,459, G>A. VCF-style: chr14-63990459-G-A. GRCh37 (hg19) VCF-style: chr14-64457177-G-A.
Other names: c.2362G>A, p.Glu788Lys (NM_015180.6); short protein forms E788K.
Identifiers: ClinVar variation 1504696 (VCV001504696.6), dbSNP rs767773345, ClinGen allele CA7219672.

ClinVar aggregate classification (germline): Uncertain significance (1 of 4 stars; one submission).

Conditions:
Emery-Dreifuss muscular dystrophy 5, autosomal dominant (EDMD5). Also called: EMERY-DREIFUSS MUSCULAR DYSTROPHY 5. Identifiers: Orphanet 261, MedGen C2751805, MONDO:0013072, OMIM 612999.

Allele frequency attached by ClinVar (database versions not stated): gnomAD 0.00001; gnomAD exomes 0.00001 and 0.00002; TOPMed 0.00001; ExAC 0.00003.
gnomAD v4.1: 10 of 1,613,588 alleles (0.00062%); highest among the groups gnomAD compares: Admixed American, 0.0033%; no homozygotes.

Submission:

Labcorp Genetics (formerly Invitae), Labcorp
Classification: Uncertain significance for Emery-Dreifuss muscular dystrophy 5, autosomal dominant. Last evaluated: 2023-03-02. Review status: criteria provided, single submitter. Criteria: Invitae Variant Classification Sherloc (09022015). Collection method: clinical testing. Allele origin: germline.
Comment: ClinVar contains an entry for this variant (Variation ID: 1504696). This variant has not been reported in the literature in individuals affected with SYNE2-related conditions. This variant is present in population databases (rs767773345, gnomAD 0.003%). This sequence change replaces glutamic acid, which is acidic and polar, with lysine, which is basic and polar, at codon 788 of the SYNE2 protein (p.Glu788Lys). An algorithm developed to predict the effect of missense changes on protein structure and function (PolyPhen-2) suggests that this variant is likely to be tolerated. Algorithms developed to predict the effect of sequence changes on RNA splicing suggest that this variant may disrupt the consensus splice site. In summary, the available evidence is currently insufficient to determine the role of this variant in disease. Therefore, it has been classified as a Variant of Uncertain Significance.